The following is an entry in ClinVar:

NM_014989.7(RIMS1):c.4048A>C (p.Ile1350Leu)

Gene: RIMS1 (regulating synaptic membrane exocytosis 1; plus strand). Cytogenetic location: 6q13.
Variant type: single nucleotide variant.
Coding change: c.4048A>C on transcript NM_014989.7 (MANE Select); coding-DNA position 4048, A replaced by C.
Protein change: p.Ile1350Leu; replaces isoleucine 1350 with leucine.
Molecular consequence: missense variant. On other transcripts: intron variant (24).
Genome position (GRCh38, 1-based): chr6:72,313,590, A>C. VCF-style: chr6-72313590-A-C. GRCh37 (hg19) VCF-style: chr6-73023293-A-C.
Other names: c.2095A>C, p.Ile699Leu (NM_001350433.2); c.1957A>C, p.Ile653Leu (NM_001350435.2); c.2200A>C, p.Ile734Leu (NM_001350436.2); c.1951A>C, p.Ile651Leu (NM_001350437.2); c.1939A>C, p.Ile647Leu (NM_001350439.2); c.1936A>C, p.Ile646Leu (NM_001350441.2, NM_001350443.2); c.1783A>C, p.Ile595Leu (NM_001350444.2, NM_001350423.2); c.2194A>C, p.Ile732Leu (NM_001350446.2); and 51 more; short protein forms I1350L, I581L, I589L, I595L, I596L, I671L, I732L, I734L.
Identifiers: ClinVar variation 2091829 (VCV002091829.4), dbSNP rs774714299, ClinGen allele CA364691080.
Genomic context (GRCh38, chr6:72,313,590, plus strand): 5'-AGAAGCTGTGATAACGTCTCTGCCAAATCATCAGATAGTGATGTCAGTGATGTTTCCGCC[A>C]TTTCCCGAACCAGCAGTGCCTCACGCCTCAGCAGCACAAGCTTTATGTCAGAGCAATCTG-3'
Protein context (NP_055804.2, residues 1340-1360): SDSDVSDVSA[Ile1350Leu]SRTSSASRLS

ClinVar aggregate classification (germline): Uncertain significance (1 of 4 stars; one submission).

gnomAD v4.1: 1 of 1,613,790 alleles (0.000062%); no homozygotes.

Submission:

Labcorp Genetics (formerly Invitae), Labcorp
Classification: Uncertain significance. Last evaluated: 2024-01-02. Review status: criteria provided, single submitter. Criteria: Invitae Variant Classification Sherloc (09022015). Collection method: clinical testing. Allele origin: germline.
Comment: This sequence change replaces isoleucine, which is neutral and non-polar, with leucine, which is neutral and non-polar, at codon 1350 of the RIMS1 protein (p.Ile1350Leu). This variant is not present in population databases (gnomAD no frequency). This variant has not been reported in the literature in individuals affected with RIMS1-related conditions. ClinVar contains an entry for this variant (Variation ID: 2091829). An algorithm developed to predict the effect of missense changes on protein structure and function (PolyPhen-2) suggests that this variant is likely to be tolerated. In summary, the available evidence is currently insufficient to determine the role of this variant in disease. Therefore, it has been classified as a Variant of Uncertain Significance.